The following is an entry in ClinVar:

ClinVar aggregate classification (germline): Pathogenic/Likely pathogenic. Review status: criteria provided, multiple submitters, no conflicts (2 of 4 stars). 4 submissions from 4 submitters: Pathogenic (2); Likely pathogenic (2). Last evaluated 2025-10-09.

Conditions:
Hermansky-Pudlak syndrome (HPS). Also called: ALBINISM WITH HEMORRHAGIC DIATHESIS AND PIGMENTED RETICULOENDOTHELIAL CELLS. Identifiers: Orphanet 79430, MedGen C0079504, MONDO:0019312.
Hermansky-Pudlak syndrome 3 (HPS3). Identifiers: Orphanet 231512, Orphanet 79430, MedGen C3888001, MONDO:0013555, OMIM 614072.

Submissions (4):

Natera, Inc.
Classification: Likely pathogenic for Hermansky-Pudlak syndrome. Last evaluated: 2025-10-09. Review status: criteria provided, single submitter. Criteria: Natera Variant Classification Schema (03/2026). Collection method: clinical testing. Allele origin: germline.
Comment: The c.248dupA variant in HPS3 is a frameshift variant predicted to shift the reading frame beginning at codon 83 and leads to a stop codon 15 codons downstream. This variant is expected to result in nonsense mediated decay, truncation, or a dysfunctional protein product. This variant is rare in the general population with a frequency below the threshold expected for the associated phenotype(s). Given the available evidence, this variant is classified as Likely Pathogenic.

Baylor Genetics
Classification: Pathogenic for Hermansky-Pudlak syndrome 3. Last evaluated: 2024-02-13. Review status: criteria provided, single submitter. Criteria: ACMG Guidelines, 2015. Collection method: clinical testing. Allele origin: unknown.

Labcorp Genetics (formerly Invitae), Labcorp
Classification: Pathogenic. Last evaluated: 2024-02-05. Review status: criteria provided, single submitter. Criteria: Invitae Variant Classification Sherloc (09022015). Collection method: clinical testing. Allele origin: germline.
Comment: This sequence change creates a premature translational stop signal (p.Asn83Lysfs*15) in the HPS3 gene. It is expected to result in an absent or disrupted protein product. Loss-of-function variants in HPS3 are known to be pathogenic (PMID: 11590544). This variant is present in population databases (no rsID available, gnomAD 0.003%). This variant has not been reported in the literature in individuals affected with HPS3-related conditions. ClinVar contains an entry for this variant (Variation ID: 1944868). Algorithms developed to predict the effect of sequence changes on RNA splicing suggest that this variant may disrupt the consensus splice site. For these reasons, this variant has been classified as Pathogenic.

Fulgent Genetics
Classification: Likely pathogenic for Hermansky-Pudlak syndrome 3. Last evaluated: 2024-01-29. Review status: criteria provided, single submitter. Criteria: ACMG Guidelines, 2015. Collection method: clinical testing. Allele origin: germline.

Literature cited by the submitters: PubMed 11590544 (cited by Labcorp Genetics (formerly Invitae), Labcorp).

NM_032383.5(HPS3):c.248dup (p.Asn83fs)

Gene: HPS3 (HPS3 biogenesis of lysosomal organelles complex 2 subunit 1; plus strand). Cytogenetic location: 3q24.
Variant type: Duplication.
Coding change: c.248dup on transcript NM_032383.5 (MANE Select); coding-DNA position 248, one base duplicated (A; older notation c.248dupA).
Protein change: p.Asn83fs; shifts the reading frame from asparagine 83.
Molecular consequence: frameshift variant. On other transcripts: intron variant (1).
Genome position (GRCh38, 1-based): chr3:149,140,034, A duplicated; the last of 5 consecutive A bases (chr3:149,140,030-149,140,034); duplicating any one gives the same sequence. VCF-style (leftmost placement, unchanged base first): chr3-149140029-G-GA. GRCh37 (hg19) VCF-style: chr3-148857816-G-GA.
Other names: c.248dupA (NM_032383.4); c.218-983dup (NM_001308258.2); short protein forms N83fs.
Identifiers: ClinVar variation 1944868 (VCV001944868.9), dbSNP rs1336214631, ClinGen allele CA547365780.
Genomic context (GRCh38, chr3:149,140,029, plus strand): 5'-TACAAATTCTCAGTATAATCTTCATTCCTTCTCAGGAGATTATTTGGTAGCAATTGAAGA[G>GA]AAAAACAAAGCTACATTTCTACGTGCTTATGTGAACTGGAGAAATAAAAGGACTGAAAAC-3'